The following is an entry in ClinVar:

NM_001692.4(ATP6V1B1):c.567C>T (p.Ala189=)

Gene: ATP6V1B1 (ATPase H+ transporting V1 subunit B1; plus strand). Cytogenetic location: 2p13.3.
Variant type: single nucleotide variant.
Coding change: c.567C>T on transcript NM_001692.4 (MANE Select); coding-DNA position 567, C replaced by T.
Protein change: p.Ala189=; no amino-acid change (alanine 189 retained).
Molecular consequence: synonymous variant.
Genome position (GRCh38, 1-based): chr2:70,960,060, C>T. VCF-style: chr2-70960060-C-T. GRCh37 (hg19) VCF-style: chr2-71187190-C-T.
Identifiers: ClinVar variation 896673 (VCV000896673.12), dbSNP rs112442277, ClinGen allele CA1701083.

ClinVar aggregate classification (germline): Conflicting classifications of pathogenicity. Review status: criteria provided, conflicting classifications (1 of 4 stars). 3 submissions from 3 submitters: Uncertain significance (1); Likely benign (2). Last evaluated 2026-01-14.

Conditions:
Renal tubular acidosis with progressive nerve deafness. Also called: Distal Renal Tubular Acidosis with Progressive Sensorineural Deafness; renal tubular acidosis, distal, 2, with progressive sensorineural hearing loss; RENAL TUBULAR ACIDOSIS, AUTOSOMAL RECESSIVE, WITH PROGRESSIVE NERVE DEAFNESS; RTA WITH PROGRESSIVE NERVE DEAFNESS. Identifiers: MedGen C0403554, MONDO:0009968, OMIM 267300.
ATP6V1B1-related disorder. Also called: ATP6V1B1-related condition.

Allele frequency attached by ClinVar (database versions not stated): ESP Exome Variant Server 0.00008; gnomAD exomes 0.00009 and 0.00010; ExAC 0.00011; gnomAD 0.00014 and 0.00015; TOPMed 0.00014; 1000 Genomes Project 0.00020; 1000 Genomes Project 30x 0.00031.
gnomAD v4.1: 160 of 1,614,184 alleles (0.0099%); highest among the groups gnomAD compares: Middle Eastern, 0.05%; 2 homozygotes.

Submissions (3):

Labcorp Genetics (formerly Invitae), Labcorp
Classification: Likely benign. Last evaluated: 2026-01-14. Review status: criteria provided, single submitter. Criteria: Invitae Variant Classification Sherloc (09022015). Collection method: clinical testing. Allele origin: germline.

PreventionGenetics, part of Exact Sciences
Classification: Likely benign for ATP6V1B1-related condition. Last evaluated: 2025-06-25. Review status: criteria provided, single submitter. Criteria: ACMG Guidelines, 2015. Collection method: clinical testing. Allele origin: germline.
Comment: This variant is classified as likely benign based on ACMG/AMP sequence variant interpretation guidelines (Richards et al. 2015 PMID: 25741868, with internal and published modifications).

Illumina Laboratory Services, Illumina
Classification: Uncertain significance for Renal tubular acidosis with progressive nerve deafness. Last evaluated: 2018-01-12. Review status: criteria provided, single submitter. Criteria: ICSL Variant Classification Criteria 13 December 2019. Collection method: clinical testing. Allele origin: germline.